The following is an entry in ClinVar:

NM_021971.4(GMPPB):c.940G>A (p.Val314Met)

Gene: GMPPB (GDP-mannose pyrophosphorylase B; minus strand). Cytogenetic location: 3p21.31.
Variant type: single nucleotide variant.
Coding change: c.940G>A on transcript NM_021971.4 (MANE Select); coding-DNA position 940, G replaced by A.
Protein change: p.Val314Met; replaces valine 314 with methionine.
Molecular consequence: missense variant.
Genome position (GRCh38, 1-based): chr3:49,721,976, C>T on the plus strand (G>A on the coding strand, the complement: GMPPB is on the minus strand). VCF-style: chr3-49721976-C-T. GRCh37 (hg19) VCF-style: chr3-49759409-C-T.
Other names: c.940G>A, p.Val314Met (NM_013334.4); short protein forms V314M.
Identifiers: ClinVar variation 1393828 (VCV001393828.8), dbSNP rs1343235792, ClinGen allele CA352826788.

ClinVar aggregate classification (germline): Uncertain significance (1 of 4 stars; one submission).

Conditions:
Muscular dystrophy-dystroglycanopathy (congenital with impaired intellectual development), type B, 14. Also called: Congenital muscular dystrophy-dystroglycanopathy with mental retardation, type B14; Muscular dystrophy-dystroglycanopathy (congenital with intellectual disability), type B14; MUSCULAR DYSTROPHY, CONGENITAL, GMPPB-RELATED. Identifiers: MedGen C3809221, MONDO:0014141, OMIM 615351.
Autosomal recessive limb-girdle muscular dystrophy type 2T. Also called: Limb-girdle muscular dystrophy-dystroglycanopathy, type C14; MUSCULAR DYSTROPHY-DYSTROGLYCANOPATHY, LIMB-GIRDLE, GMPPB-RELATED; MUSCULAR DYSTROPHY, LIMB-GIRDLE, TYPE 2T; Muscular dystrophy-dystroglycanopathy (limb-girdle), type c, 14. Identifiers: Orphanet 363623, MedGen C4518000, MONDO:0014142, OMIM 615352.
Muscular dystrophy-dystroglycanopathy (congenital with brain and eye anomalies), type A14. Also called: Congenital muscular dystrophy-dystroglycanopathy with brain and eye anomalies, type A14; WALKER-WARBURG SYNDROME OR MUSCLE-EYE-BRAIN DISEASE, GMPPB-RELATED; Muscular dystrophy-dystroglycanopathy (congenital with brain and eye anomalies), type a, 14; Congenital Muscular Dystrophy-Dystroglycanopathy with Brain and Eye Anomalies Type A 14. Identifiers: Orphanet 588, MedGen C3809216, MONDO:0014140, OMIM 615350.

Allele frequency attached by ClinVar (database versions not stated): TOPMed 0.00002.

Submission:

Labcorp Genetics (formerly Invitae), Labcorp
Classification: Uncertain significance for Autosomal recessive limb-girdle muscular dystrophy type 2T; Muscular dystrophy-dystroglycanopathy (congenital with brain and eye anomalies), type A14; Muscular dystrophy-dystroglycanopathy (congenital with impaired intellectual development), type B, 14. Last evaluated: 2024-10-30. Review status: criteria provided, single submitter. Criteria: Invitae Variant Classification Sherloc (09022015). Collection method: clinical testing. Allele origin: germline.
Comment: This sequence change replaces valine, which is neutral and non-polar, with methionine, which is neutral and non-polar, at codon 314 of the GMPPB protein (p.Val314Met). This variant is not present in population databases (gnomAD no frequency). This variant has not been reported in the literature in individuals affected with GMPPB-related conditions. ClinVar contains an entry for this variant (Variation ID: 1393828). Invitae Evidence Modeling of protein sequence and biophysical properties (such as structural, functional, and spatial information, amino acid conservation, physicochemical variation, residue mobility, and thermodynamic stability) indicates that this missense variant is not expected to disrupt GMPPB protein function with a negative predictive value of 80%. In summary, the available evidence is currently insufficient to determine the role of this variant in disease. Therefore, it has been classified as a Variant of Uncertain Significance.